The following is an entry in ClinVar:

NM_000360.4(TH):c.488-1G>T

Gene: TH (tyrosine hydroxylase; minus strand). Cytogenetic location: 11p15.5.
Variant type: single nucleotide variant.
Coding change: c.488-1G>T on transcript NM_000360.4 (MANE Select); the canonical splice acceptor site of the intron before coding-DNA position 488, G replaced by T.
Molecular consequence: splice acceptor variant.
Genome position (GRCh38, 1-based): chr11:2,168,180, C>A on the plus strand (G>T on the coding strand, the complement: TH is on the minus strand). VCF-style: chr11-2168180-C-A. GRCh37 (hg19) VCF-style: chr11-2189410-C-A.
Other names: c.569-1G>T (NM_199293.3); c.581-1G>T (NM_199292.3).
Identifiers: ClinVar variation 1066660 (VCV001066660.7), dbSNP rs1285458218, ClinGen allele CA379128699.
Genomic context (GRCh38, chr11:2,168,180, plus strand): 5'-ACTTGGTGACCAGGTGATGACACTTGTCCAGCTCTGACACTTTTCTTGGGAACCAGGGGA[C>A]TTTATGGGTGATGGAGGAAGAGATCTTGGTGAGCTCGGAGCCGTGGGGCTGTGTCACCCA-3'

ClinVar aggregate classification (germline): Likely pathogenic (1 of 4 stars; one submission).

Conditions:
TH-deficient dopa-responsive dystonia. Also called: DYT-TH; Tyrosine Hydroxylase-Deficient Dopa-Responsive Dystonia; Segawa syndrome, autosomal recessive. Identifiers: Orphanet 101150, MedGen C2673535, MONDO:0011551, OMIM 605407.

gnomAD v4.1: 1 of 1,613,322 alleles (0.000062%); highest among the groups gnomAD compares: Non-Finnish European, 0.000085%; no homozygotes.

Submission:

Labcorp Genetics (formerly Invitae), Labcorp
Classification: Likely pathogenic for TH-deficient dopa-responsive dystonia. Last evaluated: 2020-09-02. Review status: criteria provided, single submitter. Criteria: Invitae Variant Classification Sherloc (09022015). Collection method: clinical testing. Allele origin: germline.
Comment: In summary, the currently available evidence indicates that the variant is pathogenic, but additional data are needed to prove that conclusively. Therefore, this variant has been classified as Likely Pathogenic. Donor and acceptor splice site variants typically lead to a loss of protein function (PMID: 16199547), and loss-of-function variants in TH are known to be pathogenic (PMID: 22264700, 24753243). Algorithms developed to predict the effect of sequence changes on RNA splicing suggest that this variant may disrupt the consensus splice site, but this prediction has not been confirmed by published transcriptional studies. This variant has not been reported in the literature in individuals with TH-related conditions. This variant is not present in population databases (ExAC no frequency). This sequence change affects an acceptor splice site in intron 4 of the TH gene. It is expected to disrupt RNA splicing and likely results in an absent or disrupted protein product.

Literature cited by the submitters: PubMed 16199547; PubMed 22264700; PubMed 24753243.